The following is an entry in ClinVar:

ClinVar aggregate classification (germline): Uncertain significance (1 of 4 stars; one submission).

Conditions:
Immunodeficiency 39 (IMD39). Identifiers: Orphanet 574918, MedGen C4225358, MONDO:0014597, OMIM 616345.

gnomAD v4.1: 2 of 1,605,068 alleles (0.00012%); highest among the groups gnomAD compares: Non-Finnish European, 0.00017%; no homozygotes.

Submission:

Labcorp Genetics (formerly Invitae), Labcorp
Classification: Uncertain significance for Immunodeficiency 39. Last evaluated: 2023-12-20. Review status: criteria provided, single submitter. Criteria: Invitae Variant Classification Sherloc (09022015). Collection method: clinical testing. Allele origin: germline.
Comment: This sequence change replaces glycine, which is neutral and non-polar, with arginine, which is basic and polar, at codon 369 of the IRF7 protein (p.Gly369Arg). This variant is not present in population databases (gnomAD no frequency). This variant has not been reported in the literature in individuals affected with IRF7-related conditions. Advanced modeling of protein sequence and biophysical properties (such as structural, functional, and spatial information, amino acid conservation, physicochemical variation, residue mobility, and thermodynamic stability) performed at Invitae indicates that this missense variant is expected to disrupt IRF7 protein function with a positive predictive value of 80%. In summary, the available evidence is currently insufficient to determine the role of this variant in disease. Therefore, it has been classified as a Variant of Uncertain Significance.

NM_001572.5(IRF7):c.1066G>A (p.Gly356Arg)

Gene: IRF7 (interferon regulatory factor 7; minus strand). Cytogenetic location: 11p15.5.
Variant type: single nucleotide variant.
Coding change: c.1066G>A on transcript NM_001572.5 (MANE Select); coding-DNA position 1066, G replaced by A.
Protein change: p.Gly356Arg; replaces glycine 356 with arginine.
Molecular consequence: missense variant.
Genome position (GRCh38, 1-based): chr11:613,377, C>T on the plus strand (G>A on the coding strand, the complement: IRF7 is on the minus strand). VCF-style: chr11-613377-C-T. GRCh37 (hg19) VCF-style: chr11-613377-C-T.
Other names: c.979G>A, p.Gly327Arg (NM_004029.4); c.1105G>A, p.Gly369Arg (NM_004031.4); short protein forms G327R, G369R, G356R.
Identifiers: ClinVar variation 2959636 (VCV002959636.3), dbSNP rs557998853, ClinGen allele CA378979032.